The following is an entry in ClinVar:

NM_176787.5(PIGN):c.2624T>G (p.Phe875Cys)

Gene: PIGN (phosphatidylinositol glycan anchor biosynthesis class N; minus strand). Cytogenetic location: 18q21.33.
Variant type: single nucleotide variant.
Coding change: c.2624T>G on transcript NM_176787.5 (MANE Select); coding-DNA position 2624, T replaced by G.
Protein change: p.Phe875Cys; replaces phenylalanine 875 with cysteine.
Molecular consequence: missense variant.
Genome position (GRCh38, 1-based): chr18:62,072,721, A>C on the plus strand (T>G on the coding strand, the complement: PIGN is on the minus strand). VCF-style: chr18-62072721-A-C. GRCh37 (hg19) VCF-style: chr18-59739954-A-C.
Other names: c.2624T>G, p.Phe875Cys (NM_012327.6); short protein forms F875C.
Identifiers: ClinVar variation 579491 (VCV000579491.8), dbSNP rs1568143271, ClinGen allele CA402723522.

ClinVar aggregate classification (germline): Uncertain significance (1 of 4 stars; one submission).

Conditions:
Multiple congenital anomalies-hypotonia-seizures syndrome 1 (MCAHS1). Also called: GLYCOSYLPHOSPHATIDYLINOSITOL BIOSYNTHESIS DEFECT 3; PIGN-CDG; Congenital disorder of glycosylation due to PIGN deficiency. Identifiers: Orphanet 280633, MedGen C3279775, MONDO:0013563, OMIM 614080.

Submission:

Labcorp Genetics (formerly Invitae), Labcorp
Classification: Uncertain significance for Multiple congenital anomalies-hypotonia-seizures syndrome 1. Last evaluated: 2018-02-04. Review status: criteria provided, single submitter. Criteria: Invitae Variant Classification Sherloc (09022015). Collection method: clinical testing. Allele origin: germline.
Comment: This variant is not present in population databases (ExAC no frequency). This sequence change replaces phenylalanine with cysteine at codon 875 of the PIGN protein (p.Phe875Cys). The phenylalanine residue is highly conserved and there is a large physicochemical difference between phenylalanine and cysteine. This variant has not been reported in the literature in individuals with PIGN-related disease. In summary, the available evidence is currently insufficient to determine the role of this variant in disease. Therefore, it has been classified as a Variant of Uncertain Significance. Algorithms developed to predict the effect of missense changes on protein structure and function (SIFT, PolyPhen-2, Align-GVGD) all suggest that this variant is likely to be disruptive, but these predictions have not been confirmed by published functional studies and their clinical significance is uncertain.